The following is an entry in ClinVar:

NM_006206.6(PDGFRA):c.1642A>G (p.Ile548Val)

Gene: PDGFRA (platelet derived growth factor receptor alpha; plus strand). Cytogenetic location: 4q12.
Variant type: single nucleotide variant.
Coding change: c.1642A>G on transcript NM_006206.6 (MANE Select); coding-DNA position 1642, A replaced by G.
Protein change: p.Ile548Val; replaces isoleucine 548 with valine.
Molecular consequence: missense variant.
Genome position (GRCh38, 1-based): chr4:54,274,614, A>G. VCF-style: chr4-54274614-A-G. GRCh37 (hg19) VCF-style: chr4-55140781-A-G.
Other names: c.1642A>G, p.Ile548Val (NM_001347827.2, NM_001347829.2); c.1717A>G, p.Ile573Val (NM_001347828.2); c.1681A>G, p.Ile561Val (NM_001347830.2); c.1642A>G (NM_006206.5); short protein forms I548V, I573V, I561V.
Identifiers: ClinVar variation 459014 (VCV000459014.18), dbSNP rs1060501500, ClinGen allele CA356892977.

ClinVar aggregate classification (germline): Uncertain significance. Review status: criteria provided, multiple submitters, no conflicts (2 of 4 stars). 4 submissions from 4 submitters: Uncertain significance (4). Last evaluated 2026-06-18.

Conditions:
PDGFRA-related disorder. Also called: PDGFRA-related condition.
Polyps, multiple and recurrent inflammatory fibroid, gastrointestinal. Identifiers: MedGen C5193005, MONDO:0008285, OMIM 175510.
Hereditary cancer-predisposing syndrome. Also called: Tumor predisposition; Hereditary neoplastic syndrome; Neoplastic Syndromes, Hereditary; Hereditary Cancer Syndrome. Identifiers: Orphanet 140162, MedGen C0027672, MeSH D009386, MONDO:0015356.
Gastrointestinal stromal tumor. Also called: Gastrointestinal stromal tumor, somatic; Gastrointestinal stroma tumor. Identifiers: Orphanet 44890, MedGen C0238198, MeSH D046152, MONDO:0011719, OMIM 606764, HP:0100723.

Allele frequency attached by ClinVar (database versions not stated): gnomAD exomes below 0.00001.
gnomAD v4.1: 1 of 1,611,330 alleles (0.000062%); highest among the groups gnomAD compares: Admixed American, 0.0017%; no homozygotes.

Submissions (4):

PreventionGenetics, part of Exact Sciences
Classification: Uncertain significance for PDGFRA-related condition. Last evaluated: 2026-06-18. Review status: criteria provided, single submitter. Criteria: ACMG Guidelines, 2015. Collection method: clinical testing. Allele origin: germline.
Comment: The PDGFRA c.1642A>G variant is predicted to result in the amino acid substitution p.Ile548Val. To our knowledge, this variant has not been reported in the literature. This variant is reported in 0.0029% of alleles in individuals of Latino descent in gnomAD. This variant is interpreted as uncertain in ClinVar (Variation: 459014). At this time, the clinical significance of this variant is uncertain due to the absence of conclusive functional and genetic evidence.

Labcorp Genetics (formerly Invitae), Labcorp
Classification: Uncertain significance for Gastrointestinal stromal tumor. Last evaluated: 2025-11-17. Review status: criteria provided, single submitter. Criteria: Invitae Variant Classification Sherloc (09022015). Collection method: clinical testing. Allele origin: germline.
Comment: This sequence change replaces isoleucine, which is neutral and non-polar, with valine, which is neutral and non-polar, at codon 548 of the PDGFRA protein (p.Ile548Val). This variant is present in population databases (no rsID available, gnomAD 0.003%). This variant has not been reported in the literature in individuals affected with PDGFRA-related conditions. ClinVar contains an entry for this variant (Variation ID: 459014). Invitae Evidence Modeling of protein sequence and biophysical properties (such as structural, functional, and spatial information, amino acid conservation, physicochemical variation, residue mobility, and thermodynamic stability) indicates that this missense variant is not expected to disrupt PDGFRA protein function with a negative predictive value of 80%. In summary, the available evidence is currently insufficient to determine the role of this variant in disease. Therefore, it has been classified as a Variant of Uncertain Significance.

Ambry Genetics
Classification: Uncertain significance for Hereditary cancer-predisposing syndrome. Last evaluated: 2025-10-30. Review status: criteria provided, single submitter. Criteria: Ambry Variant Classification Scheme 2023. Collection method: clinical testing. Allele origin: germline.
Comment: The p.I548V variant (also known as c.1642A>G), located in coding exon 10 of the PDGFRA gene, results from an A to G substitution at nucleotide position 1642. The isoleucine at codon 548 is replaced by valine, an amino acid with highly similar properties. This amino acid position is well conserved in available vertebrate species. In addition, this alteration is predicted to be tolerated by in silico analysis. Based on the available evidence, the clinical significance of this variant remains unclear.

Baylor Genetics
Classification: Uncertain significance for Polyps, multiple and recurrent inflammatory fibroid, gastrointestinal. Last evaluated: 2023-07-26. Review status: criteria provided, single submitter. Criteria: ACMG Guidelines, 2015. Collection method: clinical testing. Allele origin: unknown.